The following is an entry in ClinVar:

NM_006269.2(RP1):c.199C>A (p.Leu67Met)

Gene: RP1 (RP1 axonemal microtubule associated; plus strand). Cytogenetic location: 8q12.1.
Variant type: single nucleotide variant.
Coding change: c.199C>A on transcript NM_006269.2 (MANE Select); coding-DNA position 199, C replaced by A.
Protein change: p.Leu67Met; replaces leucine 67 with methionine.
Molecular consequence: missense variant.
Genome position (GRCh38, 1-based): chr8:54,621,165, C>A. VCF-style: chr8-54621165-C-A. GRCh37 (hg19) VCF-style: chr8-55533725-C-A.
Other names: c.199C>A, p.Leu67Met (NM_001375654.1); short protein forms L67M.
Identifiers: ClinVar variation 1519891 (VCV001519891.9), dbSNP rs2129314171, ClinGen allele CA370985872.

ClinVar aggregate classification (germline): Uncertain significance. Review status: criteria provided, multiple submitters, no conflicts (2 of 4 stars). 2 submissions from 2 submitters: Uncertain significance (2). Last evaluated 2021-03-26.

Submissions (2):

Labcorp Genetics (formerly Invitae), Labcorp
Classification: Uncertain significance. Last evaluated: 2021-03-26. Review status: criteria provided, single submitter. Criteria: Invitae Variant Classification Sherloc (09022015). Collection method: clinical testing. Allele origin: germline.
Comment: In summary, the available evidence is currently insufficient to determine the role of this variant in disease. Therefore, it has been classified as a Variant of Uncertain Significance. Algorithms developed to predict the effect of missense changes on protein structure and function are either unavailable or do not agree on the potential impact of this missense change (SIFT: "Deleterious"; PolyPhen-2: "Probably Damaging"; Align-GVGD: "Class C0"). This variant has not been reported in the literature in individuals with RP1-related conditions. This variant is not present in population databases (ExAC no frequency). This sequence change replaces leucine with methionine at codon 67 of the RP1 protein (p.Leu67Met). The leucine residue is highly conserved and there is a small physicochemical difference between leucine and methionine.

Blueprint Genetics
Classification: Uncertain significance. Last evaluated: 2020-09-24. Review status: criteria provided, single submitter. Criteria: ACMG Guidelines, 2015. Collection method: clinical testing. Allele origin: germline.